The following is an entry in ClinVar:

NM_001199138.2(NLRC4):c.261A>G (p.Gln87=)

Gene: NLRC4 (NLR family CARD domain containing 4; minus strand). Cytogenetic location: 2p22.3.
Variant type: single nucleotide variant.
Coding change: c.261A>G on transcript NM_001199138.2 (MANE Select); coding-DNA position 261, A replaced by G.
Protein change: p.Gln87=; no amino-acid change (glutamine 87 retained).
Molecular consequence: synonymous variant.
Genome position (GRCh38, 1-based): chr2:32,252,420, T>C on the plus strand (A>G on the coding strand, the complement: NLRC4 is on the minus strand). VCF-style: chr2-32252420-T-C. GRCh37 (hg19) VCF-style: chr2-32477489-T-C.
Other names: c.261A>G, p.Gln87= (NM_001199139.2, NM_001302504.2, NM_021209.5).
Identifiers: ClinVar variation 1394372 (VCV001394372.6), dbSNP rs2148943725, ClinGen allele CA425621334.
Genomic context (GRCh38, chr2:32,252,420, plus strand): 5'-GATCTTTGTTGTGGTCTATTCTACTTGCAGAAACAGATGCAAAACTAACTGATACTTACT[T>C]TGTCCATTCAAGTCCTGAAATAGAGGATAGTTCCACTCCTTAAGGGATTTAAGAAAGAGG-3'
Protein context (NP_001186067.1, residues 77-97): NYPLFQDLNG[Gln87=]SLFHQTSEGD

ClinVar aggregate classification (germline): Uncertain significance (1 of 4 stars; one submission).

Conditions:
Familial cold autoinflammatory syndrome 4 (FCAS4). Identifiers: Orphanet 47045, Orphanet 576349, MedGen C4015276, MONDO:0014498, OMIM 616115.
Periodic fever-infantile enterocolitis-autoinflammatory syndrome. Also called: Autoinflammation with infantile enterocolitis. Identifiers: Orphanet 436166, MedGen C4015067, MONDO:0014472, OMIM 616050.

Submission:

Labcorp Genetics (formerly Invitae), Labcorp
Classification: Uncertain significance for Periodic fever-infantile enterocolitis-autoinflammatory syndrome; Familial cold autoinflammatory syndrome 4. Last evaluated: 2022-08-23. Review status: criteria provided, single submitter. Criteria: Invitae Variant Classification Sherloc (09022015). Collection method: clinical testing. Allele origin: germline.
Comment: This sequence change affects codon 87 of the NLRC4 mRNA. It is a 'silent' change, meaning that it does not change the encoded amino acid sequence of the NLRC4 protein. It affects a nucleotide within the consensus splice site. This variant is not present in population databases (gnomAD no frequency). This variant has not been reported in the literature in individuals affected with NLRC4-related conditions. ClinVar contains an entry for this variant (Variation ID: 1394372). Algorithms developed to predict the effect of sequence changes on RNA splicing suggest that this variant is not likely to affect RNA splicing. In summary, the available evidence is currently insufficient to determine the role of this variant in disease. Therefore, it has been classified as a Variant of Uncertain Significance.